The following is an entry in ClinVar:

ClinVar aggregate classification (germline): Likely benign. Review status: criteria provided, multiple submitters, no conflicts (2 of 4 stars). 3 submissions from 3 submitters: Likely benign (3). Last evaluated 2026-08-18.

Conditions:
Retinal dystrophy. Also called: Inherited retinal dystrophy. Identifiers: Orphanet 71862, MedGen C0854723, MeSH D058499, MONDO:0019118, HP:0000556.
CNGB1-related disorder. Also called: CNGB1-related condition.

Allele frequency attached by ClinVar (database versions not stated): gnomAD exomes 0.00007; ExAC 0.00008; TOPMed 0.00010.
gnomAD v4.1: 55 of 1,613,964 alleles (0.0034%); highest among the groups gnomAD compares: East Asian, 0.082%; no homozygotes.

Submissions (3):

PreventionGenetics, part of Exact Sciences
Classification: Likely benign for CNGB1-related condition. Last evaluated: 2026-08-18. Review status: criteria provided, single submitter. Criteria: ACMG Guidelines, 2015. Collection method: clinical testing. Allele origin: germline.
Comment: This variant is classified as likely benign based on ACMG/AMP sequence variant interpretation guidelines (Richards et al. 2015 PMID: 25741868, with internal and published modifications).

Labcorp Genetics (formerly Invitae), Labcorp
Classification: Likely benign. Last evaluated: 2024-08-30. Review status: criteria provided, single submitter. Criteria: Invitae Variant Classification Sherloc (09022015). Collection method: clinical testing. Allele origin: germline.

Dept Of Ophthalmology, Nagoya University
Classification: Likely benign for Retinal dystrophy. Last evaluated: 2023-10-01. Review status: criteria provided, single submitter. Criteria: Submitter's publication. Collection method: research. Allele origin: germline. Affected: yes.

NM_001297.5(CNGB1):c.138C>T (p.Ala46=)

Gene: CNGB1 (cyclic nucleotide gated channel subunit beta 1; minus strand). Cytogenetic location: 16q21.
Variant type: single nucleotide variant.
Coding change: c.138C>T on transcript NM_001297.5 (MANE Select); coding-DNA position 138, C replaced by T.
Protein change: p.Ala46=; no amino-acid change (alanine 46 retained).
Molecular consequence: synonymous variant.
Genome position (GRCh38, 1-based): chr16:57,967,149, G>A on the plus strand (C>T on the coding strand, the complement: CNGB1 is on the minus strand). VCF-style: chr16-57967149-G-A. GRCh37 (hg19) VCF-style: chr16-58001053-G-A.
Other names: c.138C>T (NM_001297.4); c.138C>T, p.Ala46= (NM_001135639.2, NM_001286130.2).
Identifiers: ClinVar variation 1597894 (VCV001597894.10), dbSNP rs753557311, ClinGen allele CA8083998.
Genomic context (GRCh38, chr16:57,967,149, plus strand): 5'-GCGAGGCCGGCCTGCCCCTCCTCCCGCTCTACCTCTCACCATGGACTCGGACTCTGTCTC[G>A]GCCTCCTCAGGATTCGGTTCTGGTTCCACCTCCGCCTCCATCTCTGGCTCTGGTTCCACT-3'
Protein context (NP_001288.3, residues 36-56): EVEPEPNPEE[Ala46=]ETESESMPPE